The following is an entry in ClinVar:

ClinVar aggregate classification (germline): Uncertain significance (1 of 4 stars; one submission).

Conditions:
Generalized epilepsy-paroxysmal dyskinesia syndrome (PNKD3). Also called: Generalized epilepsy and paroxysmal dyskinesia; Paroxysmal nonkinesigenic dyskinesia, 3, with or without generalized epilepsy. Identifiers: Orphanet 79137, MedGen C5574945, MONDO:0012276, OMIM 609446.

Submission:

Labcorp Genetics (formerly Invitae), Labcorp
Classification: Uncertain significance for Generalized epilepsy-paroxysmal dyskinesia syndrome. Last evaluated: 2022-12-27. Review status: criteria provided, single submitter. Criteria: Invitae Variant Classification Sherloc (09022015). Collection method: clinical testing. Allele origin: germline.
Comment: This sequence change replaces threonine, which is neutral and polar, with serine, which is neutral and polar, at codon 685 of the KCNMA1 protein (p.Thr685Ser). This variant is not present in population databases (gnomAD no frequency). This variant has not been reported in the literature in individuals affected with KCNMA1-related conditions. Advanced modeling of protein sequence and biophysical properties (such as structural, functional, and spatial information, amino acid conservation, physicochemical variation, residue mobility, and thermodynamic stability) performed at Invitae indicates that this missense variant is not expected to disrupt KCNMA1 protein function. In summary, the available evidence is currently insufficient to determine the role of this variant in disease. Therefore, it has been classified as a Variant of Uncertain Significance.

NM_001161352.2(KCNMA1):c.2053A>T (p.Thr685Ser)

Gene: KCNMA1 (potassium calcium-activated channel subfamily M alpha 1; minus strand). Cytogenetic location: 10q22.3.
Variant type: single nucleotide variant.
Coding change: c.2053A>T on transcript NM_001161352.2 (MANE Select); coding-DNA position 2053, A replaced by T.
Protein change: p.Thr685Ser; replaces threonine 685 with serine.
Molecular consequence: missense variant.
Genome position (GRCh38, 1-based): chr10:77,012,006, T>A on the plus strand (A>T on the coding strand, the complement: KCNMA1 is on the minus strand). VCF-style: chr10-77012006-T-A. GRCh37 (hg19) VCF-style: chr10-78771764-T-A.
Other names: c.2065A>T, p.Thr689Ser (NM_001014797.3, NM_001322830.2, NM_001322835.2 and 1 more transcripts); c.2053A>T, p.Thr685Ser (NM_001161353.2, NM_001271519.2, NM_001322829.2 and 4 more transcripts); c.1903A>T, p.Thr635Ser (NM_001271518.2); c.1513A>T, p.Thr505Ser (NM_001322838.2); short protein forms T635S, T505S, T685S, T689S.
Identifiers: ClinVar variation 2824516 (VCV002824516.3), dbSNP rs1449813631, ClinGen allele CA377407258.